The following is an entry in ClinVar:

ClinVar aggregate classification (germline): Uncertain significance (1 of 4 stars; one submission).

Conditions:
Hereditary nonpolyposis colorectal neoplasms. Identifiers: MedGen C0009405, MeSH D003123.

Submission:

Labcorp Genetics (formerly Invitae), Labcorp
Classification: Uncertain significance for Hereditary nonpolyposis colorectal neoplasms. Last evaluated: 2022-04-28. Review status: criteria provided, single submitter. Criteria: Invitae Variant Classification Sherloc (09022015). Collection method: clinical testing. Allele origin: unknown.
Comment: This variant results in a copy number gain of the genomic region encompassing exon(s) 1-14 of the PMS2 gene. This region includes the initiator codon of the gene. This copy number gain extends beyond the assayed region for this gene and therefore may encompass additional genes. As the precise location of this event is unknown, it may be in tandem or it may be located elsewhere in the genome. This variant has not been reported in the literature in individuals affected with PMS2-related conditions. Experimental studies and prediction algorithms are not available or were not evaluated, and the functional significance of this variant is currently unknown. In summary, the available evidence is currently insufficient to determine the role of this variant in disease. Therefore, it has been classified as a Variant of Uncertain Significance.

NC_000007.14:g.(?_5986749)_(6009468_?)dup

Genes: AIMP2 (aminoacyl tRNA synthetase complex interacting multifunctional protein 2; plus strand), PMS2 (PMS1 homolog 2, mismatch repair system component; minus strand). Cytogenetic location: 7p22.1.
Variant type: Duplication.
Identifiers: ClinVar variation 3245668 (VCV003245668.1).